The following is an entry in ClinVar:

ClinVar aggregate classification (germline): Uncertain significance (1 of 4 stars; one submission).

Conditions:
Neurofibromatosis, type 1 (NF1). Also called: VON RECKLINGHAUSEN DISEASE; NEUROFIBROMATOSIS, TYPE I, SOMATIC; Peripheral type neurofibromatosis; Neurofibromatosis, type I. Identifiers: Orphanet 636, MedGen C0027831, MONDO:0018975, OMIM 162200. Disease mechanism: loss of function.

Submission:

Labcorp Genetics (formerly Invitae), Labcorp
Classification: Uncertain significance for Neurofibromatosis, type 1. Last evaluated: 2017-06-26. Review status: criteria provided, single submitter. Criteria: Invitae Variant Classification Sherloc (09022015). Collection method: clinical testing. Allele origin: germline.
Comment: Algorithms developed to predict the effect of missense changes on protein structure and function do not agree on the potential impact of this missense change (SIFT: "Deleterious"; PolyPhen-2: "Possibly Damaging"; Align-GVGD: "Class C0"). This variant has not been reported in the literature in individuals with NF1-related disease. This variant is not present in population databases (ExAC no frequency). This sequence change replaces tyrosine with histidine at codon 735 of the NF1 protein (p.Tyr735His). The tyrosine residue is highly conserved and there is a moderate physicochemical difference between tyrosine and histidine. In summary, the available evidence is currently insufficient to determine the role of this variant in disease. Therefore, it has been classified as a Variant of Uncertain Significance.

NM_001042492.3(NF1):c.2203T>C (p.Tyr735His)

Gene: NF1 (neurofibromin 1; plus strand). Cytogenetic location: 17q11.2.
Variant type: single nucleotide variant.
Coding change: c.2203T>C on transcript NM_001042492.3 (MANE Select); coding-DNA position 2203, T replaced by C.
Protein change: p.Tyr735His; replaces tyrosine 735 with histidine.
Molecular consequence: missense variant.
Genome position (GRCh38, 1-based): chr17:31,226,636, T>C. VCF-style: chr17-31226636-T-C. GRCh37 (hg19) VCF-style: chr17-29553654-T-C.
Other names: c.2203T>C, p.Tyr735His (NM_000267.4); short protein forms Y735H.
Identifiers: ClinVar variation 457570 (VCV000457570.5), dbSNP rs1555613827, ClinGen allele CA398982483.
Genomic context (GRCh38, chr17:31,226,636, plus strand): 5'-GAGGAAGCAGATATCCGGTGTGGGGTGGATGAAGTGTCAGTGCATAACCTCTTGCCCAAC[T>C]ATAACACATTCATGGAGTTTGCCTCTGTCAGCAATATGATGTCAACAGGTAAATGTGAAT-3'
Protein context (NP_001035957.1, residues 725-745): EVSVHNLLPN[Tyr735His]NTFMEFASVS